The following is an entry in ClinVar:

NM_001375405.1(CEP120):c.2462A>G (p.Asn821Ser)

Gene: CEP120 (centrosomal protein 120; minus strand). Cytogenetic location: 5q23.2.
Variant type: single nucleotide variant.
Coding change: c.2462A>G on transcript NM_001375405.1 (MANE Select); coding-DNA position 2462, A replaced by G.
Protein change: p.Asn821Ser; replaces asparagine 821 with serine.
Molecular consequence: missense variant. On other transcripts: non-coding transcript variant (1).
Genome position (GRCh38, 1-based): chr5:123,372,669, T>C on the plus strand (A>G on the coding strand, the complement: CEP120 is on the minus strand). VCF-style: chr5-123372669-T-C. GRCh37 (hg19) VCF-style: chr5-122708363-T-C.
Other names: c.2384A>G, p.Asn795Ser (NM_001166226.2); c.2327A>G, p.Asn776Ser (NM_001375406.1); c.2462A>G, p.Asn821Ser (NM_001375407.1, NM_153223.4); c.1889A>G, p.Asn630Ser (NM_001375408.1, NM_001375409.1); short protein forms N630S, N776S, N795S, N821S.
Identifiers: ClinVar variation 1027808 (VCV001027808.1), dbSNP rs765442218, ClinGen allele CA3386617.

ClinVar aggregate classification (germline): Uncertain significance (1 of 4 stars; one submission).

Conditions:
Joubert syndrome 31. Identifiers: MedGen C4540355, MONDO:0033310, OMIM 617761.

Allele frequency attached by ClinVar (database versions not stated): gnomAD 0.00001; gnomAD exomes 0.00001; TOPMed 0.00001; ExAC 0.00002.
gnomAD v4.1: 12 of 1,612,216 alleles (0.00074%); highest among the groups gnomAD compares: South Asian, 0.011%; no homozygotes.

Submission:

Baylor Genetics
Classification: Uncertain significance for Joubert syndrome 31. Last evaluated: 2019-07-19. Review status: criteria provided, single submitter. Criteria: ACMG Guidelines, 2015. Collection method: clinical testing. Allele origin: unknown. Affected: yes.
Comment: This variant was determined to be of uncertain significance according to ACMG Guidelines, 2015 [PMID:25741868].